The following is an entry in ClinVar:

ClinVar aggregate classification (germline): Conflicting classifications of pathogenicity. Review status: criteria provided, conflicting classifications (1 of 4 stars). 2 submissions from 2 submitters: Likely pathogenic (1); Uncertain significance (1). Last evaluated 2022-09-07.

Conditions:
Multiple congenital exostosis (EXT). Also called: Hereditary multiple osteochondromas; Multiple osteochondromas; Multiple exostoses; Hereditary multiple exostoses; Hereditary multiple exostosis; MULTIPLE CARTILAGINOUS EXOSTOSES. Identifiers: Orphanet 321, MedGen C0015306, MONDO:0005508, HP:0002762.

Submissions (2):

Blueprint Genetics
Classification: Uncertain significance. Last evaluated: 2022-09-07. Review status: criteria provided, single submitter. Criteria: ACMG Guidelines, 2015. Collection method: clinical testing. Allele origin: germline.

Labcorp Genetics (formerly Invitae), Labcorp
Classification: Likely pathogenic for Multiple congenital exostosis. Last evaluated: 2021-03-04. Review status: criteria provided, single submitter. Criteria: Invitae Variant Classification Sherloc (09022015). Collection method: clinical testing. Allele origin: germline.
Comment: In summary, the currently available evidence indicates that the variant is pathogenic, but additional data are needed to prove that conclusively. Therefore, this variant has been classified as Likely Pathogenic. Advanced modeling of protein sequence and biophysical properties (such as structural, functional, and spatial information, amino acid conservation, physicochemical variation, residue mobility, and thermodynamic stability) performed at Invitae indicates that this missense variant is expected to disrupt EXT1 protein function. This variant has been observed in individual(s) with clinical features of hereditary multiple osteochondromas (Invitae). This variant is not present in population databases (ExAC no frequency). This sequence change replaces leucine with proline at codon 153 of the EXT1 protein (p.Leu153Pro). The leucine residue is moderately conserved and there is a moderate physicochemical difference between leucine and proline.

NM_000127.3(EXT1):c.458T>C (p.Leu153Pro)

Gene: EXT1 (exostosin glycosyltransferase 1; minus strand). Cytogenetic location: 8q24.11.
Variant type: single nucleotide variant.
Coding change: c.458T>C on transcript NM_000127.3 (MANE Select); coding-DNA position 458, T replaced by C.
Protein change: p.Leu153Pro; replaces leucine 153 with proline.
Molecular consequence: missense variant.
Genome position (GRCh38, 1-based): chr8:118,110,589, A>G on the plus strand (T>C on the coding strand, the complement: EXT1 is on the minus strand). VCF-style: chr8-118110589-A-G. GRCh37 (hg19) VCF-style: chr8-119122828-A-G.
Other names: short protein forms L153P.
Identifiers: ClinVar variation 1044040 (VCV001044040.9), dbSNP rs1817879832, ClinGen allele CA371915800.